The following is an entry in ClinVar:

ClinVar aggregate classification (germline): Uncertain significance (1 of 4 stars; one submission).

Conditions:
Marfan syndrome (MFS). Also called: MARFAN SYNDROME, TYPE I; Marfan syndrome type 1; Marfan's syndrome; FBN1-Related Marfan Syndrome; Marfan syndrome, classic. Identifiers: Orphanet 284963, Orphanet 558, MedGen C0024796, MONDO:0007947, OMIM 154700.

Submission:

All of Us Research Program, National Institutes of Health
Classification: Uncertain significance for Marfan syndrome. Last evaluated: 2024-07-29. Review status: criteria provided, single submitter. Criteria: ACMG Guidelines, 2015. Collection method: clinical testing. Allele origin: germline. Inheritance: Autosomal dominant inheritance. Observed: 1 variant allele, 1 heterozygote.
Comment: This missense variant replaces leucine with valine at codon 951 of the FBN1 protein. Computational prediction suggests that this variant may not impact protein structure and function (internally defined REVEL score threshold <= 0.5, PMID: 27666373). To our knowledge, functional studies have not been reported for this variant. This variant has not been reported in individuals affected with FBN1-related disorders in the literature. This variant has not been identified in the general population by the Genome Aggregation Database (gnomAD). The available evidence is insufficient to determine the role of this variant in disease conclusively. Therefore, this variant is classified as a Variant of Uncertain Significance.

This study involves interpretation of variants in research participants for the purpose of population health screening. Participant phenotype was not available at the time of variant classification. Additional details can be found in publication PMID: 35346344, PMCID: PMC8962531

NM_000138.5(FBN1):c.2851C>G (p.Leu951Val)

Gene: FBN1 (fibrillin 1; minus strand). Cytogenetic location: 15q21.1.
Variant type: single nucleotide variant.
Coding change: c.2851C>G on transcript NM_000138.5 (MANE Select); coding-DNA position 2851, C replaced by G.
Protein change: p.Leu951Val; replaces leucine 951 with valine.
Molecular consequence: missense variant.
Genome position (GRCh38, 1-based): chr15:48,492,464, G>C on the plus strand (C>G on the coding strand, the complement: FBN1 is on the minus strand). VCF-style: chr15-48492464-G-C. GRCh37 (hg19) VCF-style: chr15-48784661-G-C.
Other names: c.2851C>G, p.Leu951Val (NM_001406716.1); short protein forms L951V.
Identifiers: ClinVar variation 3386828 (VCV003386828.1).